The following is an entry in ClinVar:

ClinVar aggregate classification (germline): Uncertain significance (1 of 4 stars; one submission).

Conditions:
Combined immunodeficiency due to LRBA deficiency. Also called: Common variable immunodeficiency 8, with autoimmunity. Identifiers: Orphanet 445018, MedGen C3553512, MONDO:0013863, OMIM 614700.

Submission:

Labcorp Genetics (formerly Invitae), Labcorp
Classification: Uncertain significance for Combined immunodeficiency due to LRBA deficiency. Last evaluated: 2024-09-29. Review status: criteria provided, single submitter. Criteria: Invitae Variant Classification Sherloc (09022015). Collection method: clinical testing. Allele origin: germline.
Comment: This sequence change replaces alanine, which is neutral and non-polar, with threonine, which is neutral and polar, at codon 2162 of the LRBA protein (p.Ala2162Thr). This variant is not present in population databases (gnomAD no frequency). This variant has not been reported in the literature in individuals affected with LRBA-related conditions. An algorithm developed to predict the effect of missense changes on protein structure and function (PolyPhen-2) suggests that this variant is likely to be disruptive. In summary, the available evidence is currently insufficient to determine the role of this variant in disease. Therefore, it has been classified as a Variant of Uncertain Significance.

NM_001364905.1(LRBA):c.6451G>A (p.Ala2151Thr)

Gene: LRBA (LPS responsive beige-like anchor protein; minus strand). Cytogenetic location: 4q31.3.
Variant type: single nucleotide variant.
Coding change: c.6451G>A on transcript NM_001364905.1 (MANE Select); coding-DNA position 6451, G replaced by A.
Protein change: p.Ala2151Thr; replaces alanine 2151 with threonine.
Molecular consequence: missense variant.
Genome position (GRCh38, 1-based): chr4:150,487,832, C>T on the plus strand (G>A on the coding strand, the complement: LRBA is on the minus strand). VCF-style: chr4-150487832-C-T. GRCh37 (hg19) VCF-style: chr4-151408984-C-T.
Other names: c.6451G>A, p.Ala2151Thr (NM_001199282.3, NM_001367550.1); c.6484G>A, p.Ala2162Thr (NM_006726.5); short protein forms A2162T, A2151T.
Identifiers: ClinVar variation 3717516 (VCV003717516.2).